The following is an entry in ClinVar:

NM_000093.5(COL5A1):c.1184A>G (p.Glu395Gly)

Gene: COL5A1 (collagen type V alpha 1 chain; plus strand). Cytogenetic location: 9q34.3.
Variant type: single nucleotide variant.
Coding change: c.1184A>G on transcript NM_000093.5 (MANE Select); coding-DNA position 1184, A replaced by G.
Protein change: p.Glu395Gly; replaces glutamic acid 395 with glycine.
Molecular consequence: missense variant.
Genome position (GRCh38, 1-based): chr9:134,731,515, A>G. VCF-style: chr9-134731515-A-G. GRCh37 (hg19) VCF-style: chr9-137623361-A-G.
Other names: c.1184A>G, p.Glu395Gly (NM_001278074.1); short protein forms E395G.
Identifiers: ClinVar variation 3372866 (VCV003372866.1).

ClinVar aggregate classification (germline): Uncertain significance (1 of 4 stars; one submission).

Submission:

GeneDx
Classification: Uncertain significance. Last evaluated: 2024-04-19. Review status: criteria provided, single submitter. Criteria: GeneDx Variant Classification Process June 2021. Collection method: clinical testing. Allele origin: germline. Affected: yes.
Comment: Has not been previously published as pathogenic or benign to our knowledge; Not observed at significant frequency in large population cohorts (gnomAD); In silico analysis indicates that this missense variant does not alter protein structure/function; This variant is associated with the following publications: (PMID: 22696272)